The following is an entry in ClinVar:

ClinVar aggregate classification (germline): Uncertain significance (1 of 4 stars; one submission).

Conditions:
Long QT syndrome (LQTS). Identifiers: MedGen C0023976, MeSH D008133, MONDO:0002442. Disease mechanism: loss of function. Inheritance: Various modes of inheritance.

gnomAD v4.1: 1 of 1,613,994 alleles (0.000062%); highest among the groups gnomAD compares: African/African-American, 0.0013%; no homozygotes.

Submission:

Labcorp Genetics (formerly Invitae), Labcorp
Classification: Uncertain significance for Long QT syndrome. Last evaluated: 2025-07-22. Review status: criteria provided, single submitter. Criteria: Invitae Variant Classification Sherloc (09022015). Collection method: clinical testing. Allele origin: germline.
Comment: This sequence change replaces arginine, which is basic and polar, with proline, which is neutral and non-polar, at codon 3906 of the ANK2 protein (p.Arg3906Pro). This variant is not present in population databases (gnomAD no frequency). This variant has not been reported in the literature in individuals affected with ANK2-related conditions. An algorithm developed to predict the effect of missense changes on protein structure and function (PolyPhen-2) suggests that this variant is likely to be disruptive. In summary, the available evidence is currently insufficient to determine the role of this variant in disease. Therefore, it has been classified as a Variant of Uncertain Significance.

NM_001148.6(ANK2):c.11717G>C (p.Arg3906Pro)

Gene: ANK2 (ankyrin 2; plus strand). Cytogenetic location: 4q26.
Variant type: single nucleotide variant.
Coding change: c.11717G>C on transcript NM_001148.6 (MANE Select); coding-DNA position 11717, G replaced by C.
Protein change: p.Arg3906Pro; replaces arginine 3906 with proline.
Molecular consequence: missense variant. On other transcripts: intron variant (9).
Genome position (GRCh38, 1-based): chr4:113,373,307, G>C. VCF-style: chr4-113373307-G-C. GRCh37 (hg19) VCF-style: chr4-114294463-G-C.
Other names: c.5435G>C, p.Arg1812Pro (NM_001127493.3); c.5474G>C, p.Arg1825Pro (NM_001354225.2); c.5456G>C, p.Arg1819Pro (NM_001354228.2); c.5441G>C, p.Arg1814Pro (NM_001354230.2); c.5597G>C, p.Arg1866Pro (NM_001354231.2); c.5591G>C, p.Arg1864Pro (NM_001354232.2); c.5552G>C, p.Arg1851Pro (NM_001354235.2); c.5360G>C, p.Arg1787Pro (NM_001354236.2); and 50 more; short protein forms R1004P, R1009P, R1660P, R1693P, R1721P, R1726P, R1734P, R1743P.
Identifiers: ClinVar variation 4798327 (VCV004798327.1).
Genomic context (GRCh38, chr4:113,373,307, plus strand): 5'-CACACAAAAATAAGATACACAAATGAAATACATTTCAGGTTACTAGGAAAATCATTAGGC[G>C]GTATGTATCCTCTGAAGGCACAGAGAAAGAAGAGATTATGGTGCAGGGAATGCCACAGGA-3'
Protein context (NP_001139.3, residues 3896-3916): VKKVTRKIIR[Arg3906Pro]YVSSEGTEKE